The following is an entry in ClinVar:

NM_006767.4(LZTR1):c.1409T>A (p.Leu470His)

Gene: LZTR1 (leucine zipper like post translational regulator 1; plus strand). Cytogenetic location: 22q11.21.
Variant type: single nucleotide variant.
Coding change: c.1409T>A on transcript NM_006767.4 (MANE Select); coding-DNA position 1409, T replaced by A.
Protein change: p.Leu470His; replaces leucine 470 with histidine.
Molecular consequence: missense variant.
Genome position (GRCh38, 1-based): chr22:20,993,979, T>A. VCF-style: chr22-20993979-T-A. GRCh37 (hg19) VCF-style: chr22-21348268-T-A.
Other names: short protein forms L470H.
Identifiers: ClinVar variation 3238074 (VCV003238074.4), dbSNP rs1186505944.

ClinVar aggregate classification (germline): Uncertain significance. Review status: criteria provided, multiple submitters, no conflicts (2 of 4 stars). 2 submissions from 2 submitters: Uncertain significance (2). Last evaluated 2025-11-17.

Conditions:
Hereditary cancer-predisposing syndrome. Also called: Neoplastic Syndromes, Hereditary; Tumor predisposition; Hereditary neoplastic syndrome; Hereditary Cancer Syndrome. Identifiers: Orphanet 140162, MedGen C0027672, MeSH D009386, MONDO:0015356.
Cardiovascular phenotype. Identifiers: MedGen CN230736.

gnomAD v4.1: 1 of 1,612,442 alleles (0.000062%); highest among the groups gnomAD compares: Non-Finnish European, 0.000085%; no homozygotes.

Submissions (2):

Ambry Genetics
Classification: Uncertain significance for Cardiovascular phenotype; Hereditary cancer-predisposing syndrome. Last evaluated: 2025-11-17. Review status: criteria provided, single submitter. Criteria: Ambry Variant Classification Scheme 2023. Collection method: clinical testing. Allele origin: germline.
Comment: The p.L470H variant (also known as c.1409T>A), located in coding exon 13 of the LZTR1 gene, results from a T to A substitution at nucleotide position 1409. The leucine at codon 470 is replaced by histidine, an amino acid with similar properties. This amino acid position is highly conserved in available vertebrate species. In addition, this alteration is predicted to be deleterious by in silico analysis. Based on the available evidence, the clinical significance of this variant remains unclear.

Labcorp Genetics (formerly Invitae), Labcorp
Classification: Uncertain significance. Last evaluated: 2024-07-03. Review status: criteria provided, single submitter. Criteria: Invitae Variant Classification Sherloc (09022015). Collection method: clinical testing. Allele origin: germline.
Comment: This sequence change replaces leucine, which is neutral and non-polar, with histidine, which is basic and polar, at codon 470 of the LZTR1 protein (p.Leu470His). This variant is not present in population databases (gnomAD no frequency). This variant has not been reported in the literature in individuals affected with LZTR1-related conditions. Advanced modeling of protein sequence and biophysical properties (such as structural, functional, and spatial information, amino acid conservation, physicochemical variation, residue mobility, and thermodynamic stability) performed at Invitae indicates that this missense variant is not expected to disrupt LZTR1 protein function with a negative predictive value of 80%. In summary, the available evidence is currently insufficient to determine the role of this variant in disease. Therefore, it has been classified as a Variant of Uncertain Significance.